The following is an entry in ClinVar:

ClinVar aggregate classification (germline): Uncertain significance (1 of 4 stars; one submission).

Conditions:
Spermatogenic failure 18. Identifiers: MedGen C4539783, MONDO:0054615, OMIM 617576.
Ciliary dyskinesia, primary, 37 (CILD37). Also called: CILIARY DYSKINESIA, PRIMARY, 37, WITH OR WITHOUT SITUS INVERSUS. Identifiers: MedGen C4539798, MONDO:0033204, OMIM 617577.

Allele frequency attached by ClinVar (database versions not stated): TOPMed 0.00001.
gnomAD v4.1: 13 of 1,613,720 alleles (0.00081%); highest among the groups gnomAD compares: Non-Finnish European, 0.0011%; no homozygotes.

Submission:

Labcorp Genetics (formerly Invitae), Labcorp
Classification: Uncertain significance for Ciliary dyskinesia, primary, 37; Spermatogenic failure 18. Last evaluated: 2017-10-30. Review status: criteria provided, single submitter. Criteria: Invitae Variant Classification Sherloc (09022015). Collection method: clinical testing. Allele origin: germline.
Comment: This variant has not been reported in the literature in individuals with DNAH1-related disease. This variant is not present in population databases (ExAC no frequency). In summary, the available evidence is currently insufficient to determine the role of this variant in disease. Therefore, it has been classified as a Variant of Uncertain Significance. Algorithms developed to predict the effect of missense changes on protein structure and function do not agree on the potential impact of this missense change (SIFT: "Deleterious"; PolyPhen-2: "Possibly Damaging"; Align-GVGD: "Class C0"). This sequence change replaces threonine with isoleucine at codon 2437 of the DNAH1 protein (p.Thr2437Ile). The threonine residue is highly conserved and there is a moderate physicochemical difference between threonine and isoleucine.

NM_015512.5(DNAH1):c.7310C>T (p.Thr2437Ile)

Gene: DNAH1 (dynein axonemal heavy chain 1; plus strand). Cytogenetic location: 3p21.1.
Variant type: single nucleotide variant.
Coding change: c.7310C>T on transcript NM_015512.5 (MANE Select); coding-DNA position 7310, C replaced by T.
Protein change: p.Thr2437Ile; replaces threonine 2437 with isoleucine.
Molecular consequence: missense variant.
Genome position (GRCh38, 1-based): chr3:52,378,713, C>T. VCF-style: chr3-52378713-C-T. GRCh37 (hg19) VCF-style: chr3-52412729-C-T.
Other names: short protein forms T2437I.
Identifiers: ClinVar variation 544618 (VCV000544618.6), dbSNP rs200196097, ClinGen allele CA353176729.